The following is an entry in ClinVar:

NR_001566.3(TERC):n.408C>G

Gene: TERC (telomerase RNA component; minus strand). Cytogenetic location: 3q26.2.
Variant type: single nucleotide variant.
Genome position: GRCh38 VCF-style: chr3-169764653-G-C. GRCh37 (hg19) VCF-style: chr3-169482441-G-C.
Other names: 408C-G; NR_001566.1:r.408c>g.
Identifiers: ClinVar variation 7320 (VCV000007320.3), dbSNP rs199422284, ClinGen allele CA340671.

ClinVar aggregate classification (germline): Pathogenic. Review status: no assertion criteria provided (0 of 4 stars). 2 submissions from 2 submitters: Pathogenic (2). Last evaluated 2012-05-10.

Conditions:
Dyskeratosis congenita, autosomal dominant 1 (DKCA1). Also called: Dyskeratosis congenita Scoggins type. Identifiers: Orphanet 1775, MedGen C4551974, MONDO:0007485, OMIM 127550. Inheritance: Variable.

Submissions (2):

GeneReviews
Classification: Pathogenic for Dyskeratosis Congenita. Last evaluated: 2012-05-10. Review status: no assertion criteria provided. Collection method: curation. Allele origin: unknown.
ClinVar note: Converted during submission from pathologic to Pathogenic.

OMIM
Classification: Pathogenic for DYSKERATOSIS CONGENITA, AUTOSOMAL DOMINANT 1. Last evaluated: 2001-09-27. Review status: no assertion criteria provided. Collection method: literature only. Allele origin: unknown.

Literature cited by the submitters: PubMed 11574891 (cited by OMIM).